The following is an entry in ClinVar:

NM_003773.5(HYAL2):c.1011G>A (p.Thr337=)

Gene: HYAL2 (hyaluronidase 2; minus strand). Cytogenetic location: 3p21.31.
Variant type: single nucleotide variant.
Coding change: c.1011G>A on transcript NM_003773.5 (MANE Select); coding-DNA position 1011, G replaced by A.
Protein change: p.Thr337=; no amino-acid change (threonine 337 retained).
Molecular consequence: synonymous variant.
Genome position (GRCh38, 1-based): chr3:50,318,956, C>T on the plus strand (G>A on the coding strand, the complement: HYAL2 is on the minus strand). VCF-style: chr3-50318956-C-T. GRCh37 (hg19) VCF-style: chr3-50356387-C-T.
Other names: NC_000003.11:g.50356387C>T; c.1011G>A, p.Thr337= (NM_033158.5).
Identifiers: ClinVar variation 2635252 (VCV002635252.2), dbSNP rs782689985, ClinGen allele CA2416164.

ClinVar aggregate classification (germline): Uncertain significance (1 of 4 stars; one submission).

Conditions:
HYAL2-related disorder. Also called: HYAL2-related condition.

Allele frequency attached by ClinVar (database versions not stated): gnomAD 0.00001; gnomAD exomes 0.00001; TOPMed 0.00001; ExAC 0.00002.
gnomAD v4.1: 20 of 1,613,176 alleles (0.0012%); highest among the groups gnomAD compares: Non-Finnish European, 0.0017%; no homozygotes.

Submissions (2):

PreventionGenetics, part of Exact Sciences
Classification: Uncertain significance for HYAL2-related condition. Last evaluated: 2023-07-06. Review status: criteria provided, single submitter. Criteria: ACMG Guidelines, 2015. Collection method: clinical testing. Allele origin: germline.
Comment: The HYAL2 c.1011G>A variant is not predicted to result in an amino acid change (p.=). This variant affects the last nucleotide of the exon and is predicted to slightly reduce the strength of the canonical splice donor site (Alamut Visual Plus v.1.6.1). However, such computer prediction programs are imperfect. To our knowledge, this variant has not been reported in the literature. This variant is reported in 0.0031% of alleles in individuals of European (Non-Finnish) descent in gnomAD. Although we suspect that this variant may be benign, at this time, the clinical significance of this variant is uncertain due to the absence of conclusive functional and genetic evidence.

Dr. Peter K. Rogan Lab, Western University
No classification provided (evidence only). Condition: Lung cancer. Review status: no classification provided. Collection method: in vitro. Allele origin: not applicable. Functional consequence: skipped exon, retained intron. Not counted in ClinVar's aggregate classification.